The following is an entry in ClinVar:

NM_030962.4(SBF2):c.4712A>G (p.Asn1571Ser)

Genes: SBF2 (SET binding factor 2; minus strand), SBF2-AS1 (SBF2 antisense RNA 1; plus strand), LOC105369149 (uncharacterized LOC105369149; plus strand). Cytogenetic location: 11p15.4.
Variant type: single nucleotide variant.
Coding change: c.4712A>G on transcript NM_030962.4 (MANE Select); coding-DNA position 4712, A replaced by G.
Protein change: p.Asn1571Ser; replaces asparagine 1571 with serine.
Molecular consequence: missense variant.
Genome position (GRCh38, 1-based): chr11:9,789,329, T>C on the plus strand (A>G on the coding strand, the complement: SBF2 is on the minus strand). VCF-style: chr11-9789329-T-C. GRCh37 (hg19) VCF-style: chr11-9810876-T-C.
Other names: c.4808A>G, p.Asn1603Ser (NM_001386339.1); c.4583A>G, p.Asn1528Ser (NM_001386342.1); short protein forms N1571S, N1528S, N1603S.
Identifiers: ClinVar variation 306581 (VCV000306581.17), dbSNP rs371960255, ClinGen allele CA5880905.

ClinVar aggregate classification (germline): Uncertain significance. Review status: criteria provided, multiple submitters, no conflicts (2 of 4 stars). 5 submissions from 5 submitters: Uncertain significance (5). Last evaluated 2025-07-16.

Conditions:
Charcot-Marie-Tooth disease. Also called: Charcot-Marie-Tooth Neuropathy; Charcot-Marie-Tooth Hereditary Neuropathy. Identifiers: Orphanet 166, MedGen C0007959, MONDO:0015626.
Charcot-Marie-Tooth disease type 4. Also called: Charcot-Marie-Tooth disease, type IV; Charcot-Marie-Tooth, Type 4. Identifiers: Orphanet 64749, MedGen C4082197, MONDO:0018995.
Charcot-Marie-Tooth disease type 4B2. Also called: Charcot-Marie-Tooth Neuropathy Type 4B2; CHARCOT-MARIE-TOOTH DISEASE, WITH FOCALLY FOLDED MYELIN SHEATHS, AUTOSOMAL RECESSIVE, TYPE 4B2; CMT 4B2; CHARCOT-MARIE-TOOTH DISEASE, DEMYELINATING, TYPE 4B2. Identifiers: Orphanet 99956, MedGen C1858278, MONDO:0011475, OMIM 604563.
Inborn genetic diseases. Identifiers: MedGen C0950123, MeSH D030342.

Allele frequency attached by ClinVar (database versions not stated): gnomAD exomes 0.00004; ExAC 0.00005; TOPMed 0.00009; gnomAD 0.00010 and 0.00011; ESP Exome Variant Server 0.00023.
gnomAD v4.1: 157 of 1,613,604 alleles (0.0097%); highest among the groups gnomAD compares: African/African-American, 0.016%; no homozygotes.

Submissions (5):

Ambry Genetics
Classification: Uncertain significance for Inborn genetic diseases. Last evaluated: 2025-07-16. Review status: criteria provided, single submitter. Criteria: Ambry Variant Classification Scheme 2023. Collection method: clinical testing. Allele origin: germline.

Athena Diagnostics
Classification: Uncertain significance. Last evaluated: 2024-02-23. Review status: criteria provided, single submitter. Criteria: Athena Diagnostics Criteria. Collection method: clinical testing. Allele origin: unknown.
Comment: Available data are insufficient to determine the clinical significance of the variant at this time. The frequency of this variant in the general population is higher than would generally be expected for pathogenic variants in this gene. Computational tools predict that this variant is not damaging.

Labcorp Genetics (formerly Invitae), Labcorp
Classification: Uncertain significance for Charcot-Marie-Tooth disease type 4. Last evaluated: 2022-10-18. Review status: criteria provided, single submitter. Criteria: Invitae Variant Classification Sherloc (09022015). Collection method: clinical testing. Allele origin: germline.
Comment: This sequence change replaces asparagine, which is neutral and polar, with serine, which is neutral and polar, at codon 1571 of the SBF2 protein (p.Asn1571Ser). This variant is present in population databases (rs371960255, gnomAD 0.03%). This missense change has been observed in individual(s) with clinical features of SBF2-related conditions (PMID: 32376792). ClinVar contains an entry for this variant (Variation ID: 306581). Advanced modeling of protein sequence and biophysical properties (such as structural, functional, and spatial information, amino acid conservation, physicochemical variation, residue mobility, and thermodynamic stability) performed at Invitae indicates that this missense variant is not expected to disrupt SBF2 protein function. In summary, the available evidence is currently insufficient to determine the role of this variant in disease. Therefore, it has been classified as a Variant of Uncertain Significance.

Illumina Laboratory Services, Illumina
Classification: Uncertain significance for Charcot-Marie-Tooth disease type 4B2. Last evaluated: 2018-01-12. Review status: criteria provided, single submitter. Criteria: ICSL Variant Classification Criteria 13 December 2019. Collection method: clinical testing. Allele origin: germline.

Molecular Genetics Laboratory, London Health Sciences Centre
Classification: Uncertain significance for Charcot-Marie-Tooth disease. Review status: criteria provided, single submitter. Criteria: ACMG Guidelines, 2015. Collection method: clinical testing. Allele origin: germline. Affected: yes.

Literature cited by the submitters: PubMed 32376792 (cited by Athena Diagnostics and Labcorp Genetics (formerly Invitae), Labcorp).